The following is an entry in ClinVar:

NM_020297.4(ABCC9):c.523A>G (p.Ile175Val)

Gene: ABCC9 (ATP binding cassette subfamily C member 9; minus strand). Cytogenetic location: 12p12.1.
Variant type: single nucleotide variant.
Coding change: c.523A>G on transcript NM_020297.4 (MANE Select); coding-DNA position 523, A replaced by G.
Protein change: p.Ile175Val; replaces isoleucine 175 with valine.
Molecular consequence: missense variant. On other transcripts: intron variant (1).
Genome position (GRCh38, 1-based): chr12:21,916,987, T>C on the plus strand (A>G on the coding strand, the complement: ABCC9 is on the minus strand). VCF-style: chr12-21916987-T-C. GRCh37 (hg19) VCF-style: chr12-22069921-T-C.
Other names: c.523A>G, p.Ile175Val (NM_001377273.1, NM_005691.4); c.-48-3921A>G (NM_001377274.1); short protein forms I175V.
Identifiers: ClinVar variation 3991623 (VCV003991623.1).
Genomic context (GRCh38, chr12:21,916,987, plus strand): 5'-AGCTACCTACCCTGACTCGAATGACATTGATCTCCACAGCCATCAAGAGCCCATTCAAGA[T>C]GACCATCATGCCTGTGATGCAGAAACGCAGGTTTGATATGTCCAAGCCAGACTGACAGTA-3'
Protein context (NP_064693.2, residues 165-185): LRFCITGMMV[Ile175Val]LNGLLMAVEI

ClinVar aggregate classification (germline): Uncertain significance (1 of 4 stars; one submission).

Conditions:
Cardiovascular phenotype. Identifiers: MedGen CN230736.

Submission:

Ambry Genetics
Classification: Uncertain significance for Cardiovascular phenotype. Last evaluated: 2025-05-03. Review status: criteria provided, single submitter. Criteria: Ambry Variant Classification Scheme 2023. Collection method: clinical testing. Allele origin: germline.
Comment: The p.I175V variant (also known as c.523A>G), located in coding exon 4 of the ABCC9 gene, results from an A to G substitution at nucleotide position 523. The isoleucine at codon 175 is replaced by valine, an amino acid with highly similar properties. This amino acid position is not well conserved in available vertebrate species. In addition, this alteration is predicted to be tolerated by in silico analysis. Based on the available evidence, the clinical significance of this variant remains unclear.